The following is an entry in ClinVar:

NM_015909.4(NBAS):c.2672del (p.Leu891fs)

Gene: NBAS (NBAS subunit of NRZ tethering complex; minus strand). Cytogenetic location: 2p24.3.
Variant type: Deletion.
Coding change: c.2672del on transcript NM_015909.4 (MANE Select); coding-DNA position 2672, one base deleted (T; older notation c.2672delT).
Protein change: p.Leu891fs; shifts the reading frame from leucine 891.
Molecular consequence: frameshift variant. On other transcripts: non-coding transcript variant (1).
Genome position (GRCh38, 1-based): chr2:15,417,618, A deleted on the plus strand (T on the coding strand, the reverse complement: NBAS is on the minus strand); the first of 2 consecutive A bases (chr2:15,417,618-15,417,619); deleting either gives the same sequence. VCF-style (leftmost placement, unchanged base first): chr2-15417617-CA-C. GRCh37 (hg19) VCF-style: chr2-15557741-CA-C.
Other names: short protein forms L891fs.
Identifiers: ClinVar variation 1996345 (VCV001996345.4), dbSNP rs2529015935, ClinGen allele CA2580063648.

ClinVar aggregate classification (germline): Pathogenic (1 of 4 stars; one submission).

Submission:

Labcorp Genetics (formerly Invitae), Labcorp
Classification: Pathogenic. Last evaluated: 2022-05-19. Review status: criteria provided, single submitter. Criteria: Invitae Variant Classification Sherloc (09022015). Collection method: clinical testing. Allele origin: germline.
Comment: For these reasons, this variant has been classified as Pathogenic. This variant has not been reported in the literature in individuals affected with NBAS-related conditions. This variant is not present in population databases (gnomAD no frequency). This sequence change creates a premature translational stop signal (p.Leu891Trpfs*9) in the NBAS gene. It is expected to result in an absent or disrupted protein product. Loss-of-function variants in NBAS are known to be pathogenic (PMID: 26073778, 26541327, 27789416, 28031453).

Literature cited by the submitters: PubMed 26073778; PubMed 26541327; PubMed 27789416; PubMed 28031453.